The following is an entry in ClinVar:

ClinVar aggregate classification (germline): Uncertain significance (1 of 4 stars; one submission).

Conditions:
Baller-Gerold syndrome (BGS). Also called: CRANIOSYNOSTOSIS WITH RADIAL DEFECTS. Identifiers: Orphanet 1225, MedGen C0265308, MONDO:0009039, OMIM 218600.

Submission:

Labcorp Genetics (formerly Invitae), Labcorp
Classification: Uncertain significance for Baller-Gerold syndrome. Last evaluated: 2023-06-16. Review status: criteria provided, single submitter. Criteria: Invitae Variant Classification Sherloc (09022015). Collection method: clinical testing. Allele origin: germline.
Comment: Experimental studies and prediction algorithms are not available or were not evaluated, and the functional significance of this variant is currently unknown. In summary, the available evidence is currently insufficient to determine the role of this variant in disease. Therefore, it has been classified as a Variant of Uncertain Significance. This variant has not been reported in the literature in individuals affected with RECQL4-related conditions. This variant is not present in population databases (gnomAD no frequency). This sequence change replaces leucine, which is neutral and non-polar, with isoleucine, which is neutral and non-polar, at codon 65 of the RECQL4 protein (p.Leu65Ile).

NM_004260.4(RECQL4):c.193C>A (p.Leu65Ile)

Gene: RECQL4 (RecQ like helicase 4; minus strand). Cytogenetic location: 8q24.3.
Variant type: single nucleotide variant.
Coding change: c.193C>A on transcript NM_004260.4 (MANE Select); coding-DNA position 193, C replaced by A.
Protein change: p.Leu65Ile; replaces leucine 65 with isoleucine.
Molecular consequence: missense variant. On other transcripts: 5 prime UTR variant (16), non-coding transcript variant (3), intron variant (2).
Genome position (GRCh38, 1-based): chr8:144,517,434, G>T on the plus strand (C>A on the coding strand, the complement: RECQL4 is on the minus strand). VCF-style: chr8-144517434-G-T. GRCh37 (hg19) VCF-style: chr8-145742818-G-T.
Other names: c.193C>A, p.Leu65Ile (NM_001413017.1, NM_001413018.1, NM_001413019.1 and 5 more transcripts); c.-528C>A (NM_001413021.1); c.-879C>A (NM_001413022.1, NM_001413023.1, NM_001413037.1 and 2 more transcripts); c.-776C>A (NM_001413024.1, NM_001413035.1); c.-941C>A (NM_001413027.1, NM_001413030.1, NM_001413031.1 and 1 more transcripts); c.-604C>A (NM_001413028.1); c.-838C>A (NM_001413032.1); c.-783C>A (NM_001413034.1); and 3 more; short protein forms L65I.
Identifiers: ClinVar variation 2717200 (VCV002717200.3), dbSNP rs1564811672, ClinGen allele CA372692540.